The following is an entry in ClinVar:

NM_001243133.2(NLRP3):c.2082G>C (p.Lys694Asn)

Gene: NLRP3 (NLR family pyrin domain containing 3; plus strand). Cytogenetic location: 1q44.
Variant type: single nucleotide variant.
Coding change: c.2082G>C on transcript NM_001243133.2 (MANE Select); coding-DNA position 2082, G replaced by C.
Protein change: p.Lys694Asn; replaces lysine 694 with asparagine.
Molecular consequence: missense variant.
Genome position (GRCh38, 1-based): chr1:247,425,531, G>C. VCF-style: chr1-247425531-G-C. GRCh37 (hg19) VCF-style: chr1-247588833-G-C.
Other names: c.2082G>C, p.Lys694Asn (NM_001079821.3, NM_001127461.3, NM_001127462.3 and 1 more transcripts); c.2088G>C, p.Lys696Asn (NM_004895.5); short protein forms K696N, K694N.
Identifiers: ClinVar variation 1348277 (VCV001348277.8), dbSNP rs2103113800, ClinGen allele CA345558627.

ClinVar aggregate classification (germline): Uncertain significance (1 of 4 stars; one submission).

Conditions:
Cryopyrin associated periodic syndrome (CAPS). Identifiers: Orphanet 208650, MedGen C2316212, MONDO:0016168.

Submission:

Labcorp Genetics (formerly Invitae), Labcorp
Classification: Uncertain significance for Cryopyrin associated periodic syndrome. Last evaluated: 2023-10-13. Review status: criteria provided, single submitter. Criteria: Invitae Variant Classification Sherloc (09022015). Collection method: clinical testing. Allele origin: germline.
Comment: This sequence change replaces lysine, which is basic and polar, with asparagine, which is neutral and polar, at codon 696 of the NLRP3 protein (p.Lys696Asn). This variant is not present in population databases (gnomAD no frequency). This variant has not been reported in the literature in individuals affected with NLRP3-related conditions. ClinVar contains an entry for this variant (Variation ID: 1348277). Advanced modeling of protein sequence and biophysical properties (such as structural, functional, and spatial information, amino acid conservation, physicochemical variation, residue mobility, and thermodynamic stability) performed at Invitae indicates that this missense variant is not expected to disrupt NLRP3 protein function. In summary, the available evidence is currently insufficient to determine the role of this variant in disease. Therefore, it has been classified as a Variant of Uncertain Significance.